The following is an entry in ClinVar:

NM_002470.4(MYH3):c.2748C>T (p.Leu916=)

Gene: MYH3 (myosin heavy chain 3; minus strand). Cytogenetic location: 17p13.1.
Variant type: single nucleotide variant.
Coding change: c.2748C>T on transcript NM_002470.4 (MANE Select); coding-DNA position 2748, C replaced by T.
Protein change: p.Leu916=; no amino-acid change (leucine 916 retained).
Molecular consequence: synonymous variant.
Genome position (GRCh38, 1-based): chr17:10,639,737, G>A on the plus strand (C>T on the coding strand, the complement: MYH3 is on the minus strand). VCF-style: chr17-10639737-G-A. GRCh37 (hg19) VCF-style: chr17-10543054-G-A.
Other names: c.2748C>T (NM_002470.3).
Identifiers: ClinVar variation 1538554 (VCV001538554.10), dbSNP rs201383580, ClinGen allele CA8392686.

ClinVar aggregate classification (germline): Likely benign. Review status: criteria provided, single submitter (1 of 4 stars). 2 submissions from 2 submitters: Likely benign (1). 1 of the submissions does not count toward it. Last evaluated 2026-01-07.

Conditions:
MYH3-related disorder. Also called: MYH3-Related Disorders; MYH3-related condition. Identifiers: MedGen CN239329.

Allele frequency attached by ClinVar (database versions not stated): gnomAD 0.00004 and 0.00005; 1000 Genomes Project 0.00040; 1000 Genomes Project 30x 0.00047.
gnomAD v4.1: 38 of 1,613,572 alleles (0.0024%); highest among the groups gnomAD compares: East Asian, 0.013%; no homozygotes.

Submissions (2):

Labcorp Genetics (formerly Invitae), Labcorp
Classification: Likely benign. Last evaluated: 2026-01-07. Review status: criteria provided, single submitter. Criteria: Invitae Variant Classification Sherloc (09022015). Collection method: clinical testing. Allele origin: germline.

PreventionGenetics, part of Exact Sciences
Classification: Likely benign for MYH3-related condition. Last evaluated: 2022-02-07. Review status: no assertion criteria provided. Collection method: clinical testing. Allele origin: germline. Not counted in ClinVar's aggregate classification.
Comment: This variant is classified as likely benign based on ACMG/AMP sequence variant interpretation guidelines (Richards et al. 2015 PMID: 25741868, with internal and published modifications).